The following is an entry in ClinVar:

NM_006073.4(TRDN):c.1501T>A (p.Ser501Thr)

Gene: TRDN (triadin; minus strand). Cytogenetic location: 6q22.31.
Variant type: single nucleotide variant.
Coding change: c.1501T>A on transcript NM_006073.4 (MANE Select); coding-DNA position 1501, T replaced by A.
Protein change: p.Ser501Thr; replaces serine 501 with threonine.
Molecular consequence: missense variant.
Genome position (GRCh38, 1-based): chr6:123,316,466, A>T on the plus strand (T>A on the coding strand, the complement: TRDN is on the minus strand). VCF-style: chr6-123316466-A-T. GRCh37 (hg19) VCF-style: chr6-123637611-A-T.
Other names: short protein forms S501T.
Identifiers: ClinVar variation 843030 (VCV000843030.9), dbSNP rs370559465, ClinGen allele CA147242613.

ClinVar aggregate classification (germline): Uncertain significance. Review status: criteria provided, multiple submitters, no conflicts (2 of 4 stars). 2 submissions from 2 submitters: Uncertain significance (2). Last evaluated 2025-05-27.

Conditions:
Cardiovascular phenotype. Identifiers: MedGen CN230736.
Catecholaminergic polymorphic ventricular tachycardia 1. Also called: VENTRICULAR TACHYCARDIA, CATECHOLAMINERGIC POLYMORPHIC, 1, WITH OR WITHOUT ATRIAL DYSFUNCTION AND/OR DILATED CARDIOMYOPATHY; VENTRICULAR TACHYCARDIA, STRESS-INDUCED POLYMORPHIC 1; RYR2-Related Catecholaminergic Polymorphic Ventricular Tachycardia. Identifiers: Orphanet 3286, MedGen C1631597, MONDO:0011484, OMIM 604772.

Allele frequency attached by ClinVar (database versions not stated): gnomAD exomes below 0.00001; TOPMed below 0.00001; gnomAD 0.00001; ESP Exome Variant Server 0.00008.
gnomAD v4.1: 2 of 1,610,250 alleles (0.00012%); highest among the groups gnomAD compares: Non-Finnish European, 0.00017%; no homozygotes.

Submissions (2):

Labcorp Genetics (formerly Invitae), Labcorp
Classification: Uncertain significance for Catecholaminergic polymorphic ventricular tachycardia 1. Last evaluated: 2025-05-27. Review status: criteria provided, single submitter. Criteria: Invitae Variant Classification Sherloc (09022015). Collection method: clinical testing. Allele origin: germline.
Comment: This sequence change replaces serine, which is neutral and polar, with threonine, which is neutral and polar, at codon 501 of the TRDN protein (p.Ser501Thr). This variant is not present in population databases (gnomAD no frequency). This variant has not been reported in the literature in individuals affected with TRDN-related conditions. ClinVar contains an entry for this variant (Variation ID: 843030). Invitae Evidence Modeling of protein sequence and biophysical properties (such as structural, functional, and spatial information, amino acid conservation, physicochemical variation, residue mobility, and thermodynamic stability) indicates that this missense variant is not expected to disrupt TRDN protein function with a negative predictive value of 80%. In summary, the available evidence is currently insufficient to determine the role of this variant in disease. Therefore, it has been classified as a Variant of Uncertain Significance.

Ambry Genetics
Classification: Uncertain significance for Cardiovascular phenotype. Last evaluated: 2020-12-15. Review status: criteria provided, single submitter. Criteria: Ambry Variant Classification Scheme 2023. Collection method: clinical testing. Allele origin: germline.
Comment: The p.S501T variant (also known as c.1501T>A), located in coding exon 24 of the TRDN gene, results from a T to A substitution at nucleotide position 1501. The serine at codon 501 is replaced by threonine, an amino acid with similar properties. This amino acid position is not well conserved in available vertebrate species. In addition, this alteration is predicted to be tolerated by in silico analysis. Since supporting evidence is limited at this time, the clinical significance of this alteration remains unclear.